The following is an entry in ClinVar:

ClinVar aggregate classification (germline): Uncertain significance (1 of 4 stars; one submission).

Conditions:
Pallister-Hall syndrome (PHS). Also called: HYPOTHALAMIC HAMARTOBLASTOMA, HYPOPITUITARISM, IMPERFORATE ANUS, AND POSTAXIAL POLYDACTYLY; GLI3-Related Pallister-Hall Syndrome. Identifiers: Orphanet 672, MedGen C0265220, MONDO:0007804, OMIM 146510.
Greig cephalopolysyndactyly syndrome (GCPS). Also called: GLI3-Related Greig Cephalopolysyndactyly Syndrome; POLYSYNDACTYLY WITH PECULIAR SKULL SHAPE; Greig syndrome. Identifiers: Orphanet 380, MedGen C0265306, MONDO:0008287, OMIM 175700.

gnomAD v4.1: 1 of 1,613,120 alleles (0.000062%); highest among the groups gnomAD compares: Non-Finnish European, 0.000085%; no homozygotes.

Submission:

Labcorp Genetics (formerly Invitae), Labcorp
Classification: Uncertain significance for Pallister-Hall syndrome; Greig cephalopolysyndactyly syndrome. Last evaluated: 2025-02-03. Review status: criteria provided, single submitter. Criteria: Invitae Variant Classification Sherloc (09022015). Collection method: clinical testing. Allele origin: germline.
Comment: This sequence change replaces proline, which is neutral and non-polar, with arginine, which is basic and polar, at codon 648 of the GLI3 protein (p.Pro648Arg). This variant is not present in population databases (gnomAD no frequency). This variant has not been reported in the literature in individuals affected with GLI3-related conditions. Invitae Evidence Modeling of protein sequence and biophysical properties (such as structural, functional, and spatial information, amino acid conservation, physicochemical variation, residue mobility, and thermodynamic stability) indicates that this missense variant is not expected to disrupt GLI3 protein function with a negative predictive value of 95%. In summary, the available evidence is currently insufficient to determine the role of this variant in disease. Therefore, it has been classified as a Variant of Uncertain Significance.

NM_000168.6(GLI3):c.1943C>G (p.Pro648Arg)

Gene: GLI3 (GLI family zinc finger 3; minus strand). Cytogenetic location: 7p14.1.
Variant type: single nucleotide variant.
Coding change: c.1943C>G on transcript NM_000168.6 (MANE Select); coding-DNA position 1943, C replaced by G.
Protein change: p.Pro648Arg; replaces proline 648 with arginine.
Molecular consequence: missense variant.
Genome position (GRCh38, 1-based): chr7:41,972,497, G>C on the plus strand (C>G on the coding strand, the complement: GLI3 is on the minus strand). VCF-style: chr7-41972497-G-C. GRCh37 (hg19) VCF-style: chr7-42012096-G-C.
Other names: short protein forms P648R.
Identifiers: ClinVar variation 3757019 (VCV003757019.2).